The following is an entry in ClinVar:

NM_017415.3(KLHL3):c.967G>A (p.Glu323Lys)

Gene: KLHL3 (kelch like family member 3; minus strand). Cytogenetic location: 5q31.2.
Variant type: single nucleotide variant.
Coding change: c.967G>A on transcript NM_017415.3 (MANE Select); coding-DNA position 967, G replaced by A.
Protein change: p.Glu323Lys; replaces glutamic acid 323 with lysine.
Molecular consequence: missense variant.
Genome position (GRCh38, 1-based): chr5:137,639,914, C>T on the plus strand (G>A on the coding strand, the complement: KLHL3 is on the minus strand). VCF-style: chr5-137639914-C-T. GRCh37 (hg19) VCF-style: chr5-136975603-C-T.
Other names: c.871G>A, p.Glu291Lys (NM_001257194.1); c.721G>A, p.Glu241Lys (NM_001257195.2); short protein forms E241K, E323K, E291K.
Identifiers: ClinVar variation 2899809 (VCV002899809.4), dbSNP rs781462612, ClinGen allele CA3422328.

ClinVar aggregate classification (germline): Uncertain significance. Review status: criteria provided, multiple submitters, no conflicts (2 of 4 stars). 2 submissions from 2 submitters: Uncertain significance (2). Last evaluated 2026-01-06.

Conditions:
Pseudohypoaldosteronism type 2D (PHA2D). Also called: Pseudohypoaldosteronism Type IID; FAMILIAL HYPERKALEMIC HYPERTENSION; PSEUDOHYPOALDOSTERONISM, TYPE IID, AUTOSOMAL DOMINANT OR RECESSIVE. Identifiers: Orphanet 300525, Orphanet 757, MedGen C3469605, MONDO:0013781, OMIM 614495.

Allele frequency attached by ClinVar (database versions not stated): gnomAD exomes 0.00002; TOPMed 0.00002; ExAC 0.00006.
gnomAD v4.1: 25 of 1,614,138 alleles (0.0015%); highest among the groups gnomAD compares: Middle Eastern, 0.033%; no homozygotes.

Submissions (2):

Labcorp Genetics (formerly Invitae), Labcorp
Classification: Uncertain significance. Last evaluated: 2026-01-06. Review status: criteria provided, single submitter. Criteria: Invitae Variant Classification Sherloc (09022015). Collection method: clinical testing. Allele origin: germline.
Comment: This sequence change replaces glutamic acid, which is acidic and polar, with lysine, which is basic and polar, at codon 323 of the KLHL3 protein (p.Glu323Lys). This variant is present in population databases (rs781462612, gnomAD 0.02%). This variant has not been reported in the literature in individuals affected with KLHL3-related conditions. ClinVar contains an entry for this variant (Variation ID: 2899809). Invitae Evidence Modeling of protein sequence and biophysical properties (such as structural, functional, and spatial information, amino acid conservation, physicochemical variation, residue mobility, and thermodynamic stability) indicates that this missense variant is not expected to disrupt KLHL3 protein function with a negative predictive value of 80%. In summary, the available evidence is currently insufficient to determine the role of this variant in disease. Therefore, it has been classified as a Variant of Uncertain Significance.

Fulgent Genetics
Classification: Uncertain significance for Pseudohypoaldosteronism type 2D. Last evaluated: 2024-01-30. Review status: criteria provided, single submitter. Criteria: ACMG Guidelines, 2015. Collection method: clinical testing. Allele origin: germline.